The following is an entry in ClinVar:

NM_033026.6(PCLO):c.12337G>T (p.Asp4113Tyr)

Gene: PCLO (piccolo presynaptic cytomatrix protein; minus strand). Cytogenetic location: 7q21.11.
Variant type: single nucleotide variant.
Coding change: c.12337G>T on transcript NM_033026.6 (MANE Select); coding-DNA position 12337, G replaced by T.
Protein change: p.Asp4113Tyr; replaces aspartic acid 4113 with tyrosine.
Molecular consequence: missense variant.
Genome position (GRCh38, 1-based): chr7:82,915,649, C>A on the plus strand (G>T on the coding strand, the complement: PCLO is on the minus strand). VCF-style: chr7-82915649-C-A. GRCh37 (hg19) VCF-style: chr7-82544965-C-A.
Other names: c.12337G>T, p.Asp4113Tyr (NM_014510.3); short protein forms D4113Y.
Identifiers: ClinVar variation 2107898 (VCV002107898.4), dbSNP rs2535550452, ClinGen allele CA367888962.

ClinVar aggregate classification (germline): Uncertain significance (1 of 4 stars; one submission).

Submission:

Labcorp Genetics (formerly Invitae), Labcorp
Classification: Uncertain significance. Last evaluated: 2022-11-01. Review status: criteria provided, single submitter. Criteria: Invitae Variant Classification Sherloc (09022015). Collection method: clinical testing. Allele origin: germline.
Comment: In summary, the available evidence is currently insufficient to determine the role of this variant in disease. Therefore, it has been classified as a Variant of Uncertain Significance. Algorithms developed to predict the effect of missense changes on protein structure and function are either unavailable or do not agree on the potential impact of this missense change (SIFT: "Deleterious"; PolyPhen-2: "Not Available"; Align-GVGD: "Class C0"). This variant has not been reported in the literature in individuals affected with PCLO-related conditions. This variant is not present in population databases (gnomAD no frequency). This sequence change replaces aspartic acid, which is acidic and polar, with tyrosine, which is neutral and polar, at codon 4113 of the PCLO protein (p.Asp4113Tyr).